The following is an entry in ClinVar:

NM_032043.3(BRIP1):c.1826C>G (p.Thr609Ser)

Gene: BRIP1 (BRCA1 interacting DNA helicase 1; minus strand). Cytogenetic location: 17q23.2.
Variant type: single nucleotide variant.
Coding change: c.1826C>G on transcript NM_032043.3 (MANE Select); coding-DNA position 1826, C replaced by G.
Protein change: p.Thr609Ser; replaces threonine 609 with serine.
Molecular consequence: missense variant.
Genome position (GRCh38, 1-based): chr17:61,780,370, G>C on the plus strand (C>G on the coding strand, the complement: BRIP1 is on the minus strand). VCF-style: chr17-61780370-G-C. GRCh37 (hg19) VCF-style: chr17-59857731-G-C.
Other names: short protein forms T609S.
Identifiers: ClinVar variation 1780847 (VCV001780847.10), dbSNP rs2077597651, ClinGen allele CA400480164.

ClinVar aggregate classification (germline): Uncertain significance. Review status: criteria provided, multiple submitters, no conflicts (2 of 4 stars). 4 submissions from 4 submitters: Uncertain significance (4). Last evaluated 2026-01-18.

Conditions:
Fanconi anemia complementation group J. Also called: BRIP1-Related Fanconi Anemia. Identifiers: Orphanet 84, MedGen C1836860, MONDO:0012187, OMIM 609054.
Familial cancer of breast. Also called: BREAST CANCER, FAMILIAL; Hereditary breast cancer; hereditary breast carcinoma. Identifiers: Orphanet 227535, MedGen C0346153, MONDO:0016419, OMIM 114480. Disease mechanism: loss of function.
Hereditary cancer-predisposing syndrome. Also called: Tumor predisposition; Neoplastic Syndromes, Hereditary; Hereditary Cancer Syndrome; Hereditary neoplastic syndrome. Identifiers: Orphanet 140162, MedGen C0027672, MeSH D009386, MONDO:0015356.

Allele frequency attached by ClinVar (database versions not stated): gnomAD 0.00001.
gnomAD v4.1: 1 of 1,610,460 alleles (0.000062%); highest among the groups gnomAD compares: South Asian, 0.0011%; no homozygotes.

Submissions (4):

Labcorp Genetics (formerly Invitae), Labcorp
Classification: Uncertain significance for Familial cancer of breast; Fanconi anemia complementation group J. Last evaluated: 2026-01-18. Review status: criteria provided, single submitter. Criteria: Invitae Variant Classification Sherloc (09022015). Collection method: clinical testing. Allele origin: germline.
Comment: This sequence change replaces threonine, which is neutral and polar, with serine, which is neutral and polar, at codon 609 of the BRIP1 protein (p.Thr609Ser). This variant is not present in population databases (gnomAD no frequency). This variant has not been reported in the literature in individuals affected with BRIP1-related conditions. ClinVar contains an entry for this variant (Variation ID: 1780847). Invitae Evidence Modeling of protein sequence and biophysical properties (such as structural, functional, and spatial information, amino acid conservation, physicochemical variation, residue mobility, and thermodynamic stability) indicates that this missense variant is not expected to disrupt BRIP1 protein function with a negative predictive value of 95%. In summary, the available evidence is currently insufficient to determine the role of this variant in disease. Therefore, it has been classified as a Variant of Uncertain Significance.

Ambry Genetics
Classification: Uncertain significance for Hereditary cancer-predisposing syndrome. Last evaluated: 2023-09-27. Review status: criteria provided, single submitter. Criteria: Ambry Variant Classification Scheme 2023. Collection method: clinical testing. Allele origin: germline.
Comment: The p.T609S variant (also known as c.1826C>G), located in coding exon 12 of the BRIP1 gene, results from a C to G substitution at nucleotide position 1826. The threonine at codon 609 is replaced by serine, an amino acid with similar properties. This amino acid position is well conserved in available vertebrate species. In addition, this alteration is predicted to be tolerated by in silico analysis. Since supporting evidence is limited at this time, the clinical significance of this alteration remains unclear.

GeneDx
Classification: Uncertain significance. Last evaluated: 2022-09-02. Review status: criteria provided, single submitter. Criteria: GeneDx Variant Classification Process June 2021. Collection method: clinical testing. Allele origin: germline. Affected: yes.
Comment: Not observed at significant frequency in large population cohorts (gnomAD); In silico analysis supports that this missense variant does not alter protein structure/function; Has not been previously published as pathogenic or benign to our knowledge

Department of Pathology and Laboratory Medicine, Sinai Health System
Classification: Uncertain significance for Familial cancer of breast. Last evaluated: 2021-11-04. Review status: criteria provided, single submitter. Criteria: ACMG Guidelines, 2015. Collection method: clinical testing. Allele origin: germline. Affected: yes.